The following is an entry in ClinVar:

ClinVar aggregate classification (germline): Pathogenic (1 of 4 stars; one submission).

Conditions:
Seizures, benign familial infantile, 3 (BFIS3). Also called: CONVULSIONS, BENIGN FAMILIAL INFANTILE, 3; Familial neonatal seizures. Identifiers: Orphanet 140927, Orphanet 306, MedGen C1843140, MONDO:0011904, OMIM 607745.
Developmental and epileptic encephalopathy, 11 (DEE11). Also called: Early infantile epileptic encephalopathy 11. Identifiers: Orphanet 1934, MedGen C3150987, MONDO:0013388, OMIM 613721.

Submission:

Labcorp Genetics (formerly Invitae), Labcorp
Classification: Pathogenic for Benign familial neonatal-infantile seizures; Early infantile epileptic encephalopathy 11. Last evaluated: 2018-09-05. Review status: criteria provided, single submitter. Criteria: Invitae Variant Classification Sherloc (09022015). Collection method: clinical testing. Allele origin: germline.
Comment: This sequence change creates a premature translational stop signal (p.Tyr1450*) in the SCN2A gene. It is expected to result in an absent or disrupted protein product. This variant is not present in population databases (ExAC no frequency). This variant has not been reported in the literature in individuals with SCN2A-related disease. Algorithms developed to predict the effect of sequence changes on RNA splicing suggest that this variant may create or strengthen a splice site, but this prediction has not been confirmed by published transcriptional studies. Loss-of-function variants in SCN2A are known to be pathogenic (PMID: 22495306, 23020937, 24650168). For these reasons, this variant has been classified as Pathogenic.

NM_001040142.2(SCN2A):c.4350T>G (p.Tyr1450Ter)

Gene: SCN2A (sodium voltage-gated channel alpha subunit 2; plus strand). Cytogenetic location: 2q24.3.
Variant type: single nucleotide variant.
Coding change: c.4350T>G on transcript NM_001040142.2 (MANE Select); coding-DNA position 4350, T replaced by G.
Protein change: p.Tyr1450Ter; replaces tyrosine 1450 with a stop codon.
Molecular consequence: nonsense.
Genome position (GRCh38, 1-based): chr2:165,380,633, T>G. VCF-style: chr2-165380633-T-G. GRCh37 (hg19) VCF-style: chr2-166237143-T-G.
Other names: c.4350T>G, p.Tyr1450Ter (NM_001040143.2, NM_001371246.1, NM_001371247.1 and 1 more transcripts); short protein forms Y1450*.
Identifiers: ClinVar variation 665987 (VCV000665987.1), dbSNP rs1574731232, ClinGen allele CA349033794.